The following is an entry in ClinVar:

ClinVar aggregate classification (germline): Uncertain significance (1 of 4 stars; one submission).

Allele frequency attached by ClinVar (database versions not stated): gnomAD 0.00001; TOPMed 0.00001; gnomAD exomes 0.00004; ExAC 0.00007.
gnomAD v4.1: 51 of 1,598,396 alleles (0.0032%); highest among the groups gnomAD compares: South Asian, 0.054%; 1 homozygote.

Submission:

Labcorp Genetics (formerly Invitae), Labcorp
Classification: Uncertain significance. Last evaluated: 2022-11-22. Review status: criteria provided, single submitter. Criteria: Invitae Variant Classification Sherloc (09022015). Collection method: clinical testing. Allele origin: germline.
Comment: In summary, the available evidence is currently insufficient to determine the role of this variant in disease. Therefore, it has been classified as a Variant of Uncertain Significance. Algorithms developed to predict the effect of missense changes on protein structure and function are either unavailable or do not agree on the potential impact of this missense change (SIFT: "Deleterious"; PolyPhen-2: "Not Available"; Align-GVGD: "Class C0"). This variant has not been reported in the literature in individuals affected with KRT2-related conditions. This variant is present in population databases (rs756350391, gnomAD 0.05%), and has an allele count higher than expected for a pathogenic variant. This sequence change replaces phenylalanine, which is neutral and non-polar, with leucine, which is neutral and non-polar, at codon 22 of the KRT2 protein (p.Phe22Leu).

NM_000423.3(KRT2):c.64T>C (p.Phe22Leu)

Gene: KRT2 (keratin 2; minus strand). Cytogenetic location: 12q13.13.
Variant type: single nucleotide variant.
Coding change: c.64T>C on transcript NM_000423.3 (MANE Select); coding-DNA position 64, T replaced by C.
Protein change: p.Phe22Leu; replaces phenylalanine 22 with leucine.
Molecular consequence: missense variant.
Genome position (GRCh38, 1-based): chr12:52,652,079, A>G on the plus strand (T>C on the coding strand, the complement: KRT2 is on the minus strand). VCF-style: chr12-52652079-A-G. GRCh37 (hg19) VCF-style: chr12-53045863-A-G.
Other names: short protein forms F22L.
Identifiers: ClinVar variation 2908434 (VCV002908434.3), dbSNP rs756350391, ClinGen allele CA6585980.